The following is an entry in ClinVar:

NM_001110556.2(FLNA):c.2904_2925del (p.Ser968fs)

Gene: FLNA (filamin A; minus strand). Cytogenetic location: Xq28.
Variant type: Deletion.
Coding change: c.2904_2925del on transcript NM_001110556.2 (MANE Select); coding-DNA positions 2904 to 2925, 22 bases deleted (CCTGGACCTCAGCAAGATCAAG).
Protein change: p.Ser968fs; shifts the reading frame from serine 968.
Molecular consequence: frameshift variant.
Genome position (GRCh38, 1-based): chrX:154,361,689-154,361,710, CTTGATCTTGCTGAGGTCCAGG deleted on the plus strand (CCTGGACCTCAGCAAGATCAAG on the coding strand, the reverse complement: FLNA is on the minus strand); deleting any 22 consecutive bases within chrX:154,361,689-154,361,714 gives the same sequence; the c. name uses the placement nearest the transcript's 3' end. VCF-style (leftmost placement, unchanged base first): chrX-154361688-CCTTGATCTTGCTGAGGTCCAGG-C. GRCh37 (hg19) VCF-style: chrX-153590056-CCTTGATCTTGCTGAGGTCCAGG-C.
Other names: c.2904_2925del, p.Ser968fs (NM_001456.4); short protein forms S968fs.
Identifiers: ClinVar variation 4785432 (VCV004785432.1).

ClinVar aggregate classification (germline): Pathogenic (1 of 4 stars; one submission).

Conditions:
Heterotopia, periventricular, X-linked dominant (PVNH1). Also called: PERIVENTRICULAR NODULAR HETEROTOPIA 4; HETEROTOPIA, PERIVENTRICULAR, 1; PERIVENTRICULAR NODULAR HETEROTOPIA 1; X-linked periventricular heterotopia. Identifiers: Orphanet 2149, Orphanet 82004, MedGen C1848213, MONDO:0010233, OMIM 300049.
Oto-palato-digital syndrome, type II (OPD2). Also called: Otopalatodigital Syndrome, Type II; FACIOPALATOOSSEOUS SYNDROME; OPD II SYNDROME; Otopalatodigital Syndrome Type 2 (FLNA-OPD2). Identifiers: Orphanet 669, Orphanet 90652, MedGen C1844696, MONDO:0010571, OMIM 304120.
Melnick-Needles syndrome (MNS). Also called: MELNICK-NEEDLES OSTEODYSPLASTY; OSTEODYSPLASTY OF MELNICK AND NEEDLES; Melnick-Needles Syndrome (FLNA-MNS). Identifiers: Orphanet 2484, MedGen C0025237, MONDO:0010650, OMIM 309350.
Frontometaphyseal dysplasia (FMD1). Identifiers: Orphanet 1826, MedGen C0265293, MONDO:0015942.

Submission:

Labcorp Genetics (formerly Invitae), Labcorp
Classification: Pathogenic for Oto-palato-digital syndrome, type II; Heterotopia, periventricular, X-linked dominant; Frontometaphyseal dysplasia; Melnick-Needles syndrome. Last evaluated: 2025-06-29. Review status: criteria provided, single submitter. Criteria: Invitae Variant Classification Sherloc (09022015). Collection method: clinical testing. Allele origin: germline.
Comment: This sequence change creates a premature translational stop signal (p.Ser968Argfs*71) in the FLNA gene. It is expected to result in an absent or disrupted protein product. Loss-of-function variants in FLNA are known to be pathogenic (PMID: 16684786, 20730588, 26471271). This variant is not present in population databases (gnomAD no frequency). This variant has not been reported in the literature in individuals affected with FLNA-related conditions. For these reasons, this variant has been classified as Pathogenic.

Literature cited by the submitters: PubMed 16684786; PubMed 20730588; PubMed 26471271.